The following is an entry in ClinVar:

NM_014714.4(IFT140):c.155G>A (p.Cys52Tyr)

Genes: IFT140 (intraflagellar transport 140; minus strand), LOC105371046 (uncharacterized LOC105371046; plus strand). Cytogenetic location: 16p13.3.
Variant type: single nucleotide variant.
Coding change: c.155G>A on transcript NM_014714.4 (MANE Select); coding-DNA position 155, G replaced by A.
Protein change: p.Cys52Tyr; replaces cysteine 52 with tyrosine.
Molecular consequence: missense variant.
Genome position (GRCh38, 1-based): chr16:1,602,584, C>T on the plus strand (G>A on the coding strand, the complement: IFT140 is on the minus strand). VCF-style: chr16-1602584-C-T. GRCh37 (hg19) VCF-style: chr16-1652585-C-T.
Other names: c.155G>A (NM_014714.3); short protein forms C52Y.
Identifiers: ClinVar variation 1505129 (VCV001505129.5), dbSNP rs765500124, ClinGen allele CA7814801.

ClinVar aggregate classification (germline): Uncertain significance. Review status: criteria provided, multiple submitters, no conflicts (2 of 4 stars). 3 submissions from 3 submitters: Uncertain significance (2). 1 of the submissions does not count toward it. Last evaluated 2022-08-01.

Conditions:
Saldino-Mainzer syndrome (SRTD9). Also called: Renal dysplasia, retinal pigmentary dystrophy, cerebellar ataxia and skeletal dysplasia; CONORENAL SYNDROME; SHORT-RIB THORACIC DYSPLASIA 9 WITHOUT POLYDACTYLY; short-rib thoracic dysplasia 9 with or without polydactyly. Identifiers: Orphanet 140969, MedGen C1849437, MONDO:0009964, OMIM 266920.
Inborn genetic diseases. Identifiers: MedGen C0950123, MeSH D030342.
IFT140-related disorder. Also called: IFT140-related condition.

Allele frequency attached by ClinVar (database versions not stated): TOPMed below 0.00001; gnomAD exomes 0.00001; ExAC 0.00002.
gnomAD v4.1: 7 of 1,611,556 alleles (0.00043%); highest among the groups gnomAD compares: Non-Finnish European, 0.00051%; no homozygotes.

Submissions (3):

Labcorp Genetics (formerly Invitae), Labcorp
Classification: Uncertain significance for Saldino-Mainzer syndrome. Last evaluated: 2022-08-01. Review status: criteria provided, single submitter. Criteria: Invitae Variant Classification Sherloc (09022015). Collection method: clinical testing. Allele origin: germline.
Comment: This sequence change replaces cysteine, which is neutral and slightly polar, with tyrosine, which is neutral and polar, at codon 52 of the IFT140 protein (p.Cys52Tyr). This variant is present in population databases (rs765500124, gnomAD 0.01%). This variant has not been reported in the literature in individuals affected with IFT140-related conditions. ClinVar contains an entry for this variant (Variation ID: 1505129). Algorithms developed to predict the effect of missense changes on protein structure and function (SIFT, PolyPhen-2, Align-GVGD) all suggest that this variant is likely to be tolerated. In summary, the available evidence is currently insufficient to determine the role of this variant in disease. Therefore, it has been classified as a Variant of Uncertain Significance.

Ambry Genetics
Classification: Uncertain significance for Inborn genetic diseases. Last evaluated: 2022-01-03. Review status: criteria provided, single submitter. Criteria: Ambry Variant Classification Scheme 2023. Collection method: clinical testing. Allele origin: germline.

PreventionGenetics, part of Exact Sciences
Classification: Uncertain significance for IFT140-related condition. Last evaluated: 2024-08-23. Review status: no assertion criteria provided. Collection method: clinical testing. Allele origin: germline. Not counted in ClinVar's aggregate classification.
Comment: The IFT140 c.155G>A variant is predicted to result in the amino acid substitution p.Cys52Tyr. To our knowledge, this variant has not been reported in the literature. This variant is reported in 0.0099% of alleles in individuals of Ashkenazi Jewish descent in gnomAD. At this time, the clinical significance of this variant is uncertain due to the absence of conclusive functional and genetic evidence.